The following is an entry in ClinVar:

ClinVar aggregate classification (germline): Pathogenic/Likely pathogenic. Review status: criteria provided, multiple submitters, no conflicts (2 of 4 stars). 2 submissions from 2 submitters: Pathogenic (1); Likely pathogenic (1). Last evaluated 2024-05-14.

Conditions:
Agenesis of the corpus callosum with peripheral neuropathy (ACCPN). Also called: POLYNEUROPATHY, SENSORIMOTOR, WITH OR WITHOUT AGENESIS OF THE CORPUS CALLOSUM; CHARLEVOIX DISEASE; HMSN/ACC; Hereditary Motor and Sensory Neuropathy with Agenesis of the Corpus Callosum. Identifiers: Orphanet 1496, MedGen C0795950, MONDO:0000902, OMIM 218000. Disease mechanism: loss of function.

Submissions (2):

Natera, Inc.
Classification: Likely pathogenic for Andermann syndrome. Last evaluated: 2024-05-14. Review status: criteria provided, single submitter. Criteria: Natera Variant Classification Schema (03/2026). Collection method: clinical testing. Allele origin: germline.
Comment: The c.124C>T variant in SLC12A6 is a nonsense variant predicted to introduce a stop codon at amino acid 42. This variant is expected to result in nonsense mediated decay, truncation, or a dysfunctional protein product. This variant is rare in the general population with a frequency below the threshold expected for the associated phenotype(s). Given the available evidence, this variant is classified as Likely Pathogenic.

Labcorp Genetics (formerly Invitae), Labcorp
Classification: Pathogenic. Last evaluated: 2024-02-22. Review status: criteria provided, single submitter. Criteria: Invitae Variant Classification Sherloc (09022015). Collection method: clinical testing. Allele origin: germline.
Comment: This sequence change creates a premature translational stop signal (p.Arg42*) in the SLC12A6 gene. It is expected to result in an absent or disrupted protein product. Loss-of-function variants in SLC12A6 are known to be pathogenic (PMID: 12368912, 16606917). This variant is not present in population databases (gnomAD no frequency). This variant has not been reported in the literature in individuals affected with SLC12A6-related conditions. For these reasons, this variant has been classified as Pathogenic.

Literature cited by the submitters: PubMed 12368912 (cited by Labcorp Genetics (formerly Invitae), Labcorp); PubMed 16606917 (cited by Labcorp Genetics (formerly Invitae), Labcorp).

NM_001365088.1(SLC12A6):c.124C>T (p.Arg42Ter)

Gene: SLC12A6 (solute carrier family 12 member 6; minus strand). Cytogenetic location: 15q14.
Variant type: single nucleotide variant.
Coding change: c.124C>T on transcript NM_001365088.1 (MANE Select); coding-DNA position 124, C replaced by T.
Protein change: p.Arg42Ter; replaces arginine 42 with a stop codon.
Molecular consequence: nonsense. On other transcripts: 5 prime UTR variant (2).
Genome position (GRCh38, 1-based): chr15:34,336,557, G>A on the plus strand (C>T on the coding strand, the complement: SLC12A6 is on the minus strand). VCF-style: chr15-34336557-G-A. GRCh37 (hg19) VCF-style: chr15-34628758-G-A.
Other names: c.-54C>T (NM_001042494.2, NM_001042495.2); c.97C>T, p.Arg33Ter (NM_001042496.2); c.124C>T, p.Arg42Ter (NM_001042497.2, NM_133647.2); short protein forms R42*, R33*.
Identifiers: ClinVar variation 3716855 (VCV003716855.3).
Genomic context (GRCh38, chr15:34,336,557, plus strand): 5'-CACTCATAGGCTCACTCCGGCTTGTTTCAGGCACGCTTTCCCGGGAGCTAAATCTTACTC[G>A]GGAACTAGATCGAGAGCTGAGGTCCGGACTGGTGTCTGACAAACCTGGAATGTCATCGAT-3'